The following is an entry in ClinVar:

ClinVar aggregate classification (germline): Uncertain significance (1 of 4 stars; one submission).

Submission:

GeneDx
Classification: Uncertain significance. Last evaluated: 2024-02-13. Review status: criteria provided, single submitter. Criteria: GeneDx Variant Classification Process June 2021. Collection method: clinical testing. Allele origin: germline. Affected: yes.
Comment: Not observed at significant frequency in large population cohorts (gnomAD); In silico analysis supports that this missense variant has a deleterious effect on protein structure/function; Has not been previously published as pathogenic or benign to our knowledge

NM_000439.5(PCSK1):c.1778G>A (p.Gly593Glu)

Genes: CAST (calpastatin; plus strand), PCSK1 (proprotein convertase subtilisin/kexin type 1; minus strand), LOC101929710 (uncharacterized LOC101929710; plus strand). Cytogenetic location: 5q15.
Variant type: single nucleotide variant.
Coding change: c.1778G>A on transcript NM_000439.5 (MANE Select); coding-DNA position 1778, G replaced by A.
Protein change: p.Gly593Glu; replaces glycine 593 with glutamic acid.
Molecular consequence: missense variant. On other transcripts: intron variant (11).
Genome position (GRCh38, 1-based): chr5:96,394,970, C>T on the plus strand (G>A on the coding strand, the complement: PCSK1 is on the minus strand). VCF-style: chr5-96394970-C-T. GRCh37 (hg19) VCF-style: chr5-95730674-C-T.
Other names: c.1637G>A, p.Gly546Glu (NM_001177875.2); c.-175+15318C>T (NM_001423254.1, NM_001423259.1, NM_001423255.1 and 6 more transcripts); c.-103+15318C>T (NM_001423253.1); c.-40+15318C>T (NM_001423258.1); short protein forms G546E, G593E.
Identifiers: ClinVar variation 3369014 (VCV003369014.1).
Genomic context (GRCh38, chr5:96,394,970, plus strand): 5'-ACAGTGTTGTAGGACGTGTACACACGAGGCTGCTTCATATGCTCTGGCTGAGAAGAGGTC[C>T]CGTGCAAAATCAGCTTCCAGTTCACAATTCTTCCTTCATTTTGAATTCTTCCAGACTAAC-3'
Protein context (NP_000430.3, residues 583-603): RIVNWKLILH[Gly593Glu]TSSQPEHMKQ